The following is an entry in ClinVar:

NM_024753.5(TTC21B):c.119G>A (p.Arg40Lys)

Gene: TTC21B (tetratricopeptide repeat domain 21B; minus strand). Cytogenetic location: 2q24.3.
Variant type: single nucleotide variant.
Coding change: c.119G>A on transcript NM_024753.5 (MANE Select); coding-DNA position 119, G replaced by A.
Protein change: p.Arg40Lys; replaces arginine 40 with lysine.
Molecular consequence: missense variant.
Genome position (GRCh38, 1-based): chr2:165,949,627, C>T on the plus strand (G>A on the coding strand, the complement: TTC21B is on the minus strand). VCF-style: chr2-165949627-C-T. GRCh37 (hg19) VCF-style: chr2-166806137-C-T.
Other names: short protein forms R40K.
Identifiers: ClinVar variation 1713320 (VCV001713320.5), dbSNP rs1687700084, ClinGen allele CA349056261.

ClinVar aggregate classification (germline): Uncertain significance (1 of 4 stars; one submission).

Conditions:
Jeune thoracic dystrophy. Also called: Short-rib thoracic dysplasia; Jeune syndrome; Infantile thoracic dystrophy; Thoracic pelvic phalangeal dystrophy; Jeune's syndrome; Chondroectodermal dysplasia-like syndrome. Identifiers: Orphanet 474, MedGen C0265275, MONDO:0018770.
Nephronophthisis. Also called: Juvenile Nephronophthisis. Identifiers: Orphanet 655, MedGen C0687120, MONDO:0019005, HP:0000090.

Submission:

Labcorp Genetics (formerly Invitae), Labcorp
Classification: Uncertain significance for Jeune thoracic dystrophy; Nephronophthisis. Last evaluated: 2025-03-31. Review status: criteria provided, single submitter. Criteria: Invitae Variant Classification Sherloc (09022015). Collection method: clinical testing. Allele origin: germline.
Comment: This sequence change replaces arginine, which is basic and polar, with lysine, which is basic and polar, at codon 40 of the TTC21B protein (p.Arg40Lys). This variant is not present in population databases (gnomAD no frequency). This variant has not been reported in the literature in individuals affected with TTC21B-related conditions. ClinVar contains an entry for this variant (Variation ID: 1713320). Invitae Evidence Modeling of protein sequence and biophysical properties (such as structural, functional, and spatial information, amino acid conservation, physicochemical variation, residue mobility, and thermodynamic stability) indicates that this missense variant is not expected to disrupt TTC21B protein function with a negative predictive value of 95%. In summary, the available evidence is currently insufficient to determine the role of this variant in disease. Therefore, it has been classified as a Variant of Uncertain Significance.